The following is an entry in ClinVar:

ClinVar aggregate classification (germline): Likely benign (1 of 4 stars; one submission).

Submission:

CeGaT Center for Human Genetics Tuebingen
Classification: Likely benign. Last evaluated: 2023-03-01. Review status: criteria provided, single submitter. Criteria: CeGaT Center For Human Genetics Tuebingen Variant Classification Criteria Version 2. Collection method: clinical testing. Allele origin: germline. Affected: yes. Observed: 1 variant allele.
Comment: AHNAK: PM2:Supporting, BP4, BP7

NM_001620.3(AHNAK):c.1245T>C (p.Val415=)

Gene: AHNAK (AHNAK nucleoprotein; minus strand). Cytogenetic location: 11q12.3.
Variant type: single nucleotide variant.
Coding change: c.1245T>C on transcript NM_001620.3 (MANE Select); coding-DNA position 1245, T replaced by C.
Protein change: p.Val415=; no amino-acid change (valine 415 retained).
Molecular consequence: synonymous variant. On other transcripts: intron variant (1).
Genome position (GRCh38, 1-based): chr11:62,533,172, A>G on the plus strand (T>C on the coding strand, the complement: AHNAK is on the minus strand). VCF-style: chr11-62533172-A-G. GRCh37 (hg19) VCF-style: chr11-62300644-A-G.
Other names: c.1245T>C, p.Val415= (NM_001346445.2, NM_001346446.2); c.342+1831T>C (NM_024060.4).
Identifiers: ClinVar variation 2641878 (VCV002641878.24), dbSNP rs2495772452, ClinGen allele CA475125568.
Genomic context (GRCh38, chr11:62,533,172, plus strand): 5'-TTTCATCTTGGGCACATTCAGTTTGCTCCCAGGCCCCTGAACATCAATGTCAGGGGCCTG[A>G]ACTTCCACACTGGGGCCAGTGATGCTACCCCCAATTTGGGGAGCAGAGGCATCCACCCCA-3'
Protein context (NP_001611.1, residues 405-425): GGSITGPSVE[Val415=]QAPDIDVQGP